The following is an entry in ClinVar:

ClinVar aggregate classification (germline): Likely benign. Review status: criteria provided, multiple submitters, no conflicts (2 of 4 stars). 5 submissions from 5 submitters: Likely benign (5). Last evaluated 2026-01-27.

Conditions:
Catecholaminergic polymorphic ventricular tachycardia 1. Also called: RYR2-Related Catecholaminergic Polymorphic Ventricular Tachycardia; VENTRICULAR TACHYCARDIA, CATECHOLAMINERGIC POLYMORPHIC, 1, WITH OR WITHOUT ATRIAL DYSFUNCTION AND/OR DILATED CARDIOMYOPATHY; VENTRICULAR TACHYCARDIA, STRESS-INDUCED POLYMORPHIC 1. Identifiers: Orphanet 3286, MedGen C1631597, MONDO:0011484, OMIM 604772.
Cardiomyopathy (CMYO). Also called: Cardiomyopathies. Identifiers: Orphanet 167848, MedGen C0878544, MONDO:0004994, HP:0001638. Inheritance: Various modes of inheritance.
Cardiovascular phenotype. Identifiers: MedGen CN230736.
Catecholaminergic polymorphic ventricular tachycardia (CVPT). Also called: Catecholamine-induced polymorphic ventricular tachycardia. Identifiers: Orphanet 3286, MedGen C5574922, MONDO:0017990.

Allele frequency attached by ClinVar (database versions not stated): gnomAD 0.00001; gnomAD exomes 0.00001 and 0.00002; TOPMed 0.00002; ESP Exome Variant Server 0.00008; ExAC 0.00002.
gnomAD v4.1: 24 of 1,596,148 alleles (0.0015%); highest among the groups gnomAD compares: Non-Finnish European, 0.0021%; no homozygotes.

Submissions (5):

Labcorp Genetics (formerly Invitae), Labcorp
Classification: Likely benign for Catecholaminergic polymorphic ventricular tachycardia 1. Last evaluated: 2026-01-27. Review status: criteria provided, single submitter. Criteria: Invitae Variant Classification Sherloc (09022015). Collection method: clinical testing. Allele origin: germline.

All of Us Research Program, National Institutes of Health
Classification: Likely benign for Catecholaminergic polymorphic ventricular tachycardia. Last evaluated: 2023-09-17. Review status: criteria provided, single submitter. Criteria: ACMG Guidelines, 2015. Collection method: clinical testing. Allele origin: germline. Inheritance: Autosomal dominant inheritance. Observed: 3 variant alleles, 3 heterozygotes.
Comment: This study involves interpretation of variants in research participants for the purpose of population health screening. Participant phenotype was not available at the time of variant classification. Additional details can be found in publication PMID: 35346344, PMCID: PMC8962531

Ambry Genetics
Classification: Likely benign for Cardiovascular phenotype. Last evaluated: 2019-12-30. Review status: criteria provided, single submitter. Criteria: Ambry Variant Classification Scheme 2023. Collection method: clinical testing. Allele origin: germline.

Women's Health and Genetics/Laboratory Corporation of America, LabCorp
Classification: Likely benign. Last evaluated: 2019-08-29. Review status: criteria provided, single submitter. Criteria: LabCorp Variant Classification Summary - May 2015. Collection method: clinical testing. Allele origin: germline.

Color Diagnostics, LLC DBA Color Health
Classification: Likely benign for Cardiomyopathy. Last evaluated: 2019-06-18. Review status: criteria provided, single submitter. Criteria: ACMG Guidelines, 2015. Collection method: clinical testing. Allele origin: germline.

NM_001035.3(RYR2):c.9432G>A (p.Lys3144=)

Gene: RYR2 (ryanodine receptor 2; plus strand). Cytogenetic location: 1q43.
Variant type: single nucleotide variant.
Coding change: c.9432G>A on transcript NM_001035.3 (MANE Select); coding-DNA position 9432, G replaced by A.
Protein change: p.Lys3144=; no amino-acid change (lysine 3144 retained).
Molecular consequence: synonymous variant.
Genome position (GRCh38, 1-based): chr1:237,702,042, G>A. VCF-style: chr1-237702042-G-A. GRCh37 (hg19) VCF-style: chr1-237865342-G-A.
Other names: c.9432G>A, p.Lys3144= (LRG_402t1).
Identifiers: ClinVar variation 633400 (VCV000633400.19), dbSNP rs367780360, ClinGen allele CA087890.
Genomic context (GRCh38, chr1:237,702,042, plus strand): 5'-AGATGTCCAGGTGTCTTGTTATAGAATTCTGACTAGCTTATATGCTTTGGGAACCAGCAA[G>A]AGTATTTACGTGGAGAGGTAAGAATGTTTAAAGTTTAACTTTGTATTAATTGCTGCTTCA-3'
Protein context (NP_001026.2, residues 3134-3154): LTSLYALGTS[Lys3144=]SIYVERQRSA